The following is an entry in ClinVar:

ClinVar aggregate classification (germline): Likely benign (1 of 4 stars; one submission).

Submission:

CeGaT Center for Human Genetics Tuebingen
Classification: Likely benign. Last evaluated: 2025-05-01. Review status: criteria provided, single submitter. Criteria: CeGaT Center For Human Genetics Tuebingen Variant Classification Criteria Version 2. Collection method: clinical testing. Allele origin: germline. Affected: yes. Observed: 1 variant allele.
Comment: UPK3BL1: BP4, BP7

NM_001114403.3(UPK3BL1):c.561A>G (p.Gln187=)

Genes: POLR2J2-UPK3BL1 (POLR2J2-UPK3BL1 readthrough; minus strand), UPK3BL1 (uroplakin 3B like 1; minus strand). Cytogenetic location: 7q22.1.
Variant type: single nucleotide variant.
Coding change: c.561A>G on transcript NM_001114403.3 (MANE Select); coding-DNA position 561, A replaced by G.
Protein change: p.Gln187=; no amino-acid change (glutamine 187 retained).
Molecular consequence: synonymous variant. On other transcripts: non-coding transcript variant (1).
Genome position (GRCh38, 1-based): chr7:102,639,124, T>C on the plus strand (A>G on the coding strand, the complement: UPK3BL1 is on the minus strand). VCF-style: chr7-102639124-T-C. GRCh37 (hg19) VCF-style: chr7-102279571-T-C.
Identifiers: ClinVar variation 3905807 (VCV003905807.10).